The following is an entry in ClinVar:

ClinVar aggregate classification (germline): Uncertain significance (1 of 4 stars; one submission).

Conditions:
ASH1L-related disorder. Also called: ASH1L-related condition.

Submission:

PreventionGenetics, part of Exact Sciences
Classification: Uncertain significance for ASH1L-related condition. Last evaluated: 2026-04-22. Review status: criteria provided, single submitter. Criteria: ACMG Guidelines, 2015. Collection method: clinical testing. Allele origin: germline.
Comment: The ASH1L c.7225A>G variant is predicted to result in the amino acid substitution p.Thr2409Ala. To our knowledge, this variant has not been reported in the literature or in a large population database (gnomAD), indicating this variant is rare. At this time, the clinical significance of this variant is uncertain due to the absence of conclusive functional and genetic evidence.

NM_018489.3(ASH1L):c.7225A>G (p.Thr2409Ala)

Gene: ASH1L (ASH1 like histone lysine methyltransferase; minus strand). Cytogenetic location: 1q22.
Variant type: single nucleotide variant.
Coding change: c.7225A>G on transcript NM_018489.3 (MANE Select); coding-DNA position 7225, A replaced by G.
Protein change: p.Thr2409Ala; replaces threonine 2409 with alanine.
Molecular consequence: missense variant.
Genome position (GRCh38, 1-based): chr1:155,352,847, T>C on the plus strand (A>G on the coding strand, the complement: ASH1L is on the minus strand). VCF-style: chr1-155352847-T-C. GRCh37 (hg19) VCF-style: chr1-155322638-T-C.
Other names: c.7240A>G, p.Thr2414Ala (NM_001366177.2); short protein forms T2409A, T2414A.
Identifiers: ClinVar variation 4991085 (VCV004991085.1).